The following is an entry in ClinVar:

ClinVar aggregate classification (germline): Conflicting classifications of pathogenicity. Review status: criteria provided, conflicting classifications (1 of 4 stars). 7 submissions from 7 submitters: Uncertain significance (6); Likely benign (1). Last evaluated 2026-08-10.

Conditions:
Familial cancer of breast. Also called: hereditary breast carcinoma; BREAST CANCER, FAMILIAL; Hereditary breast cancer. Identifiers: Orphanet 227535, MedGen C0346153, MONDO:0016419, OMIM 114480. Disease mechanism: loss of function.
Fanconi anemia complementation group N. Also called: PALB2-Related Fanconi Anemia. Identifiers: Orphanet 84, MedGen C1835817, MONDO:0012565, OMIM 610832. Disease mechanism: loss of function.
Pancreatic cancer, susceptibility to, 3. Identifiers: Orphanet 1333, MedGen C3150547, MONDO:0013236, OMIM 613348.
Hereditary cancer-predisposing syndrome. Also called: Tumor predisposition; Neoplastic Syndromes, Hereditary; Hereditary Cancer Syndrome; Hereditary neoplastic syndrome. Identifiers: Orphanet 140162, MedGen C0027672, MeSH D009386, MONDO:0015356.

Allele frequency attached by ClinVar (database versions not stated): TOPMed 0.00001.

Submissions (7):

Ambry Genetics
Classification: Likely benign for Hereditary cancer-predisposing syndrome. Last evaluated: 2026-08-10. Review status: criteria provided, single submitter. Criteria: Ambry Variant Classification Scheme 2023. Collection method: clinical testing. Allele origin: germline.

Labcorp Genetics (formerly Invitae), Labcorp
Classification: Uncertain significance for Familial cancer of breast. Last evaluated: 2026-01-18. Review status: criteria provided, single submitter. Criteria: Invitae Variant Classification Sherloc (09022015). Collection method: clinical testing. Allele origin: germline.
Comment: This sequence change replaces proline, which is neutral and non-polar, with arginine, which is basic and polar, at codon 758 of the PALB2 protein (p.Pro758Arg). This variant is present in population databases (rs746117401, gnomAD 0.01%). This missense change has been observed in individual(s) with breast cancer (PMID: 28825143). ClinVar contains an entry for this variant (Variation ID: 230502). Invitae Evidence Modeling of protein sequence and biophysical properties (such as structural, functional, and spatial information, amino acid conservation, physicochemical variation, residue mobility, and thermodynamic stability) indicates that this missense variant is expected to disrupt PALB2 protein function with a positive predictive value of 80%. In summary, the available evidence is currently insufficient to determine the role of this variant in disease. Therefore, it has been classified as a Variant of Uncertain Significance.

Molecular Pathology, Peter Maccallum Cancer Centre
Classification: Uncertain significance for Familial cancer of breast. Last evaluated: 2025-06-04. Review status: criteria provided, single submitter. Criteria: ACMG Guidelines, 2015. Collection method: clinical testing. Allele origin: germline. Inheritance: Autosomal dominant inheritance.

GeneDx
Classification: Uncertain significance. Last evaluated: 2024-05-10. Review status: criteria provided, single submitter. Criteria: GeneDx Variant Classification Process June 2021. Collection method: clinical testing. Allele origin: germline. Affected: yes.
Comment: Not observed at significant frequency in large population cohorts (gnomAD); In silico analysis supports that this missense variant has a deleterious effect on protein structure/function; This variant is associated with the following publications: (PMID: 22941656, 28825143, 33471991)

Color Diagnostics, LLC DBA Color Health
Classification: Uncertain significance for Hereditary cancer-predisposing syndrome. Last evaluated: 2024-01-18. Review status: criteria provided, single submitter. Criteria: ACMG Guidelines, 2015. Collection method: clinical testing. Allele origin: germline.
Comment: This missense variant replaces proline with arginine at codon 758 of the PALB2 protein. Computational prediction suggests that this variant may not impact protein structure and function. To our knowledge, functional studies have not been performed for this variant. This variant has been reported in an individual affected with breast cancer (PMID: 28825143) and in a breast cancer case-control meta-analysis in 6/60466 cases and 2/53461 unaffected individuals (PMID: 33471991; Leiden Open Variation Database DB-ID PALB2_010919). This variant has been identified in 2/282892 chromosomes in the general population by the Genome Aggregation Database (gnomAD). The available evidence is insufficient to determine the role of this variant in disease conclusively. Therefore, this variant is classified as a Variant of Uncertain Significance.

Quest Diagnostics Nichols Institute San Juan Capistrano
Classification: Uncertain significance. Last evaluated: 2023-01-27. Review status: criteria provided, single submitter. Criteria: Quest Diagnostics criteria. Collection method: clinical testing. Allele origin: unknown.
Comment: The frequency of this variant in the general population, 0.0000071 (2/282892 chromosomes), is uninformative in assessment of its pathogenicity. In the published literature, the variant has been reported in an individual with breast cancer (PMID: 28825143 (2017)) and in individuals with breast cancer as well as in unaffected controls in a breast cancer association study (PMID: 33471991 (2021), see also LOVD). Analysis of this variant using bioinformatics tools for the prediction of the effect of amino acid changes on protein structure and function yielded conflicting predictions that this variant is benign or damaging. Based on the available information, we are unable to determine the clinical significance of this variant.

Fulgent Genetics
Classification: Uncertain significance for Familial cancer of breast; Fanconi anemia complementation group N; Pancreatic cancer, susceptibility to, 3. Last evaluated: 2021-08-06. Review status: criteria provided, single submitter. Criteria: ACMG Guidelines, 2015. Collection method: clinical testing. Allele origin: unknown.

Literature cited by the submitters: PubMed 28825143 (cited by 4 submitters); PubMed 33471991 (cited by 3 submitters).

NM_024675.4(PALB2):c.2273C>G (p.Pro758Arg)

Gene: PALB2 (partner and localizer of BRCA2; minus strand). Cytogenetic location: 16p12.2.
Variant type: single nucleotide variant.
Coding change: c.2273C>G on transcript NM_024675.4 (MANE Select); coding-DNA position 2273, C replaced by G.
Protein change: p.Pro758Arg; replaces proline 758 with arginine.
Molecular consequence: missense variant.
Genome position (GRCh38, 1-based): chr16:23,629,881, G>C on the plus strand (C>G on the coding strand, the complement: PALB2 is on the minus strand). VCF-style: chr16-23629881-G-C. GRCh37 (hg19) VCF-style: chr16-23641202-G-C.
Other names: short protein forms P758R.
Identifiers: ClinVar variation 230502 (VCV000230502.27), dbSNP rs746117401, ClinGen allele CA7963604.
Genomic context (GRCh38, chr16:23,629,881, plus strand): 5'-CTGTCGAATTGTTTAGTATCACTGGCAAGACAGACTGAGTCTTTCAAATGAGCAAGTTGG[G>C]GTGTGCAGCAAGTTCGTCCAGCAACTTCTGTAGATGCTTTTTCATAGGAGCCTTGAGGGC-3'
Protein context (NP_078951.2, residues 748-768): TEVAGRTCCT[Pro758Arg]QLAHLKDSVC